The following is an entry in ClinVar:

NM_205861.3(DHDDS):c.907T>C (p.Ser303Pro)

Gene: DHDDS (dehydrodolichyl diphosphate synthase subunit; plus strand). Cytogenetic location: 1p36.11.
Variant type: single nucleotide variant.
Coding change: c.907T>C on transcript NM_205861.3 (MANE Select); coding-DNA position 907, T replaced by C.
Protein change: p.Ser303Pro; replaces serine 303 with proline.
Molecular consequence: missense variant.
Genome position (GRCh38, 1-based): chr1:26,469,036, T>C. VCF-style: chr1-26469036-T-C. GRCh37 (hg19) VCF-style: chr1-26795527-T-C.
Other names: c.628T>C, p.Ser210Pro (NM_001319959.2); c.910T>C, p.Ser304Pro (NM_024887.4); c.805T>C, p.Ser269Pro (NM_001243564.2); c.790T>C, p.Ser264Pro (NM_001243565.2); short protein forms S210P, S264P, S269P, S303P, S304P.
Identifiers: ClinVar variation 3624762 (VCV003624762.2).

ClinVar aggregate classification (germline): Uncertain significance (1 of 4 stars; one submission).

Conditions:
Retinitis pigmentosa 59 (RP59). Identifiers: Orphanet 791, MedGen C3151227, MONDO:0013468, OMIM 613861.

Submission:

Labcorp Genetics (formerly Invitae), Labcorp
Classification: Uncertain significance for Retinitis pigmentosa 59. Last evaluated: 2025-02-03. Review status: criteria provided, single submitter. Criteria: Invitae Variant Classification Sherloc (09022015). Collection method: clinical testing. Allele origin: germline.
Comment: This sequence change replaces serine, which is neutral and polar, with proline, which is neutral and non-polar, at codon 304 of the DHDDS protein (p.Ser304Pro). This variant is present in population databases (no rsID available, gnomAD 0.007%). This variant has not been reported in the literature in individuals affected with DHDDS-related conditions. An algorithm developed to predict the effect of missense changes on protein structure and function (PolyPhen-2) suggests that this variant is likely to be tolerated. In summary, the available evidence is currently insufficient to determine the role of this variant in disease. Therefore, it has been classified as a Variant of Uncertain Significance.